The following is an entry in ClinVar:

ClinVar aggregate classification (germline): Likely pathogenic (1 of 4 stars; one submission).

Conditions:
Malan overgrowth syndrome (MALNS). Also called: Sotos syndrome 2; MALAN SYNDROME; NFIX-Related Malan Syndrome. Identifiers: Orphanet 420179, MedGen C3553660, MONDO:0013885, OMIM 614753.

Submission:

3billion
Classification: Likely pathogenic for Malan overgrowth syndrome. Last evaluated: 2022-01-03. Review status: criteria provided, single submitter. Criteria: ACMG Guidelines, 2015. Collection method: clinical testing. Allele origin: germline. Affected: yes. Observed: 1 heterozygote.
Comment: Frameshift: predicted to result in a loss or disruption of normal protein function through nonsense-mediated decay (NMD) or protein truncation. Multiple pathogenic variants are reported downstream of the variant (PVS1_VS). It is not observed in the gnomAD v2.1.1 dataset (PM2_M). Therefore, this variant is classified as likely pathogenic according to the recommendation of ACMG/AMP guideline.

NM_001365902.3(NFIX):c.1183del (p.His395fs)

Gene: NFIX (nuclear factor I X; plus strand). Cytogenetic location: 19p13.13.
Variant type: Deletion.
Coding change: c.1183del on transcript NM_001365902.3 (MANE Select); coding-DNA position 1183, one base deleted (C; older notation c.1183delC).
Protein change: p.His395fs; shifts the reading frame from histidine 395.
Molecular consequence: frameshift variant.
Genome position (GRCh38, 1-based): chr19:13,081,784, C deleted; the last of 2 consecutive C bases (chr19:13,081,783-13,081,784); deleting either gives the same sequence. VCF-style (leftmost placement, unchanged base first): chr19-13081782-AC-A. GRCh37 (hg19) VCF-style: chr19-13192596-AC-A.
Other names: c.1207del, p.His403fs (NM_001271043.2); c.1159del, p.His387fs (NM_001271044.3, NM_001378404.1); c.1060del, p.His354fs (NM_001365982.2); c.1042del, p.His348fs (NM_001365983.2); c.1180del, p.His394fs (NM_001365984.2, NM_001365985.2); c.1231del, p.His411fs (NM_001378405.1); c.1183del, p.His395fs (NM_002501.4); short protein forms H348fs, H354fs, H387fs, H394fs, H395fs, H403fs, H411fs.
Identifiers: ClinVar variation 1333628 (VCV001333628.1), dbSNP rs2145476207, ClinGen allele CA2573054720.